The following is an entry in ClinVar:

ClinVar aggregate classification (germline): Likely benign (0 of 4 stars; one submission).

Conditions:
ZNF407-related disorder. Also called: ZNF407-related condition.

Allele frequency attached by ClinVar (database versions not stated): gnomAD exomes 0.00024; ESP Exome Variant Server 0.00026; ExAC 0.00119; 1000 Genomes Project 0.00120; 1000 Genomes Project 30x 0.00141; gnomAD 0.00232; TOPMed 0.00268.
gnomAD v4.1: 689 of 1,472,962 alleles (0.047%); highest among the groups gnomAD compares: African/African-American, 0.79%; 5 homozygotes.

Submission:

PreventionGenetics, part of Exact Sciences
Classification: Likely benign for ZNF407-related condition. Last evaluated: 2019-07-23. Review status: no assertion criteria provided. Collection method: clinical testing. Allele origin: germline.
Comment: This variant is classified as likely benign based on ACMG/AMP sequence variant interpretation guidelines (Richards et al. 2015 PMID: 25741868, with internal and published modifications).

NM_017757.3(ZNF407):c.*8G>A

Gene: ZNF407 (zinc finger protein 407; plus strand). Cytogenetic location: 18q22.3.
Variant type: single nucleotide variant.
Coding change: c.*8G>A on transcript NM_017757.3 (MANE Select); 8 bases downstream of the stop codon, G replaced by A.
Molecular consequence: 3 prime UTR variant.
Genome position (GRCh38, 1-based): chr18:75,064,476, G>A. VCF-style: chr18-75064476-G-A. GRCh37 (hg19) VCF-style: chr18-72776432-G-A.
Other names: c.*8G>A (NM_001384475.1).
Identifiers: ClinVar variation 3050857 (VCV003050857.2), dbSNP rs200753003, ClinGen allele CA9001442.